The following is an entry in ClinVar:

ClinVar aggregate classification (germline): Pathogenic. Review status: criteria provided, multiple submitters, no conflicts (2 of 4 stars). 3 submissions from 3 submitters: Pathogenic (3). Last evaluated 2025-03-12.

Conditions:
Congenital dyserythropoietic anemia, type II (CDAN2). Also called: DYSERYTHROPOIETIC ANEMIA, HEMPAS TYPE. Identifiers: Orphanet 98873, MedGen C1306589, MONDO:0009134, OMIM 224100.
Cowden syndrome 7 (CWS7). Identifiers: Orphanet 201, MedGen C4225179, MONDO:0014802, OMIM 616858.

Allele frequency attached by ClinVar (database versions not stated): ExAC 0.00002; gnomAD exomes 0.00002; TOPMed 0.00002; 1000 Genomes Project 30x 0.00016; 1000 Genomes Project 0.00020.
gnomAD v4.1: 17 of 1,614,116 alleles (0.0011%); highest among the groups gnomAD compares: Non-Finnish European, 0.0014%; no homozygotes.

Submissions (3):

BloodGenetics
Classification: Pathogenic for Congenital dyserythropoietic anemia, type II. Last evaluated: 2025-03-12. Review status: criteria provided, single submitter. Criteria: ACMG Guidelines, 2015. Collection method: clinical testing. Allele origin: germline. Affected: yes. Observed: 1 variant allele.
Comment: The NM_006363.6(SEC23B): c.1603C>T (p.Arg535Ter) nonsense variant creates a premature translational stop signal in the SEC23B gene. It is expected to result in an absent or disrupted protein product. Loss-of-function variants in SEC23B are known to be pathogenic (PMID: 19561605, 25044164). This premature translational stop signal has been observed in individual(s) with congenital dyserythropoietic anemia type II (PMID: 20941788). ClinVar contains an entry for this variant (VCV.version: VCV001358676.6). This variant is present in population databases (rs201921350, ExAC 0.01%). This case is published in paper PMID: 37373084 where functional studies for this variant and other variants were done. In summary, this variant meets criteria to be classified as pathogenic for CDA type II based on the ACMG/AMP criteria applied: PVS1 very strong, PM2 supporting, PP5 supporting.

Fulgent Genetics
Classification: Pathogenic for Congenital dyserythropoietic anemia, type II; Cowden syndrome 7. Last evaluated: 2024-05-07. Review status: criteria provided, single submitter. Criteria: ACMG Guidelines, 2015. Collection method: clinical testing. Allele origin: germline.

Labcorp Genetics (formerly Invitae), Labcorp
Classification: Pathogenic for Congenital dyserythropoietic anemia, type II; Cowden syndrome 7. Last evaluated: 2021-09-19. Review status: criteria provided, single submitter. Criteria: Invitae Variant Classification Sherloc (09022015). Collection method: clinical testing. Allele origin: germline.
Comment: This premature translational stop signal has been observed in individual(s) with congenital dyserythropoietic anemia Type II (PMID: 20941788). For these reasons, this variant has been classified as Pathogenic. This variant is present in population databases (rs201921350, ExAC 0.01%). This sequence change creates a premature translational stop signal (p.Arg535*) in the SEC23B gene. It is expected to result in an absent or disrupted protein product. Loss-of-function variants in SEC23B are known to be pathogenic (PMID: 19561605, 25044164).

Literature cited by the submitters: PubMed 37373084 (cited by BloodGenetics); PubMed 20941788 (cited by Labcorp Genetics (formerly Invitae), Labcorp); PubMed 19561605 (cited by Labcorp Genetics (formerly Invitae), Labcorp); PubMed 25044164 (cited by Labcorp Genetics (formerly Invitae), Labcorp).

NM_006363.6(SEC23B):c.1603C>T (p.Arg535Ter)

Gene: SEC23B (SEC23 homolog B, COPII component; plus strand). Cytogenetic location: 20p11.23.
Variant type: single nucleotide variant.
Coding change: c.1603C>T on transcript NM_006363.6 (MANE Select); coding-DNA position 1603, C replaced by T.
Protein change: p.Arg535Ter; replaces arginine 535 with a stop codon.
Molecular consequence: nonsense.
Genome position (GRCh38, 1-based): chr20:18,543,110, C>T. VCF-style: chr20-18543110-C-T. GRCh37 (hg19) VCF-style: chr20-18523754-C-T.
Other names: c.1603C>T, p.Arg535Ter (NM_001172745.3, NM_032985.6, NM_032986.5); c.1549C>T, p.Arg517Ter (NM_001172746.3); short protein forms R535*, R517*.
Identifiers: ClinVar variation 1358676 (VCV001358676.8), dbSNP rs201921350, ClinGen allele CA9778417.